The following is an entry in ClinVar:

NM_001012614.2(CTBP1):c.330C>T (p.Pro110=)

Gene: CTBP1 (C-terminal binding protein 1; minus strand). Cytogenetic location: 4p16.3.
Variant type: single nucleotide variant.
Coding change: c.330C>T on transcript NM_001012614.2 (MANE Select); coding-DNA position 330, C replaced by T.
Protein change: p.Pro110=; no amino-acid change (proline 110 retained).
Molecular consequence: synonymous variant.
Genome position (GRCh38, 1-based): chr4:1,225,544, G>A on the plus strand (C>T on the coding strand, the complement: CTBP1 is on the minus strand). VCF-style: chr4-1225544-G-A. GRCh37 (hg19) VCF-style: chr4-1219332-G-A.
Other names: p.Pro121=; c.363C>T, p.Pro121= (NM_001328.3).
Identifiers: ClinVar variation 733810 (VCV000733810.14), dbSNP rs111349558, ClinGen allele CA2804432.
Genomic context (GRCh38, chr4:1,225,544, plus strand): 5'-CCGGTACAGGTTCAGGATGTGGCACAGCGTCGAGTCGGCCGTCTCCTCCACAGACGCCGC[G>A]GGCACGTTGCAGACGGCAATGCCTGTGGGGACAAGGACACGGCGGTCACCCCCGGGCCGG-3'
Protein context (NP_001012632.1, residues 100-120): GDLGIAVCNV[Pro110=]AASVEETADS

ClinVar aggregate classification (germline): Benign. Review status: criteria provided, multiple submitters, no conflicts (2 of 4 stars). 3 submissions from 3 submitters: Benign (3). Last evaluated 2026-07-01.

Allele frequency attached by ClinVar (database versions not stated): gnomAD 0.00083 and 0.00141; gnomAD exomes 0.00101 and 0.00302; ESP Exome Variant Server 0.00104; TOPMed 0.00118; 1000 Genomes Project 30x 0.00468; 1000 Genomes Project 0.00479; ExAC 0.00793.
gnomAD v4.1: 1,674 of 1,542,486 alleles (0.11%); highest among the groups gnomAD compares: South Asian, 1.4%; 36 homozygotes.

Submissions (3):

CeGaT Center for Human Genetics Tuebingen
Classification: Benign. Last evaluated: 2026-07-01. Review status: criteria provided, single submitter. Criteria: CeGaT Center For Human Genetics Tuebingen Variant Classification Criteria Version 2. Collection method: clinical testing. Allele origin: germline. Affected: yes. Observed: 3 variant alleles.
Comment: CTBP1: BP4, BP7, BS1, BS2

Labcorp Genetics (formerly Invitae), Labcorp
Classification: Benign. Last evaluated: 2026-01-10. Review status: criteria provided, single submitter. Criteria: Invitae Variant Classification Sherloc (09022015). Collection method: clinical testing. Allele origin: germline.

Mayo Clinic Laboratories, Mayo Clinic
Classification: Benign. Last evaluated: 2024-12-30. Review status: criteria provided, single submitter. Criteria: ACMG Guidelines, 2015. Collection method: clinical testing. Allele origin: germline. Observed: 1 variant allele.
Comment: BS1, BS2, BP4, BP7